The following is an entry in ClinVar:

ClinVar aggregate classification (germline): Uncertain significance. Review status: criteria provided, multiple submitters, no conflicts (2 of 4 stars). 2 submissions from 2 submitters: Uncertain significance (2). Last evaluated 2023-12-10.

Conditions:
Usher syndrome type 3B. Also called: USHER SYNDROME, TYPE IIIB. Identifiers: MedGen C3281066, MONDO:0013788, OMIM 614504.

Allele frequency attached by ClinVar (database versions not stated): gnomAD exomes below 0.00001; gnomAD 0.00002; TOPMed 0.00002.
gnomAD v4.1: 4 of 1,613,024 alleles (0.00025%); highest among the groups gnomAD compares: African/African-American, 0.0053%; no homozygotes.

Submissions (2):

GeneDx
Classification: Uncertain significance. Last evaluated: 2023-12-10. Review status: criteria provided, single submitter. Criteria: GeneDx Variant Classification Process June 2021. Collection method: clinical testing. Allele origin: germline. Affected: yes.
Comment: Not observed at significant frequency in large population cohorts (gnomAD); In silico analysis supports that this missense variant has a deleterious effect on protein structure/function; Has not been previously published as pathogenic or benign to our knowledge

Labcorp Genetics (formerly Invitae), Labcorp
Classification: Uncertain significance for Usher syndrome type 3B. Last evaluated: 2022-11-28. Review status: criteria provided, single submitter. Criteria: Invitae Variant Classification Sherloc (09022015). Collection method: clinical testing. Allele origin: germline.
Comment: This sequence change replaces serine, which is neutral and polar, with phenylalanine, which is neutral and non-polar, at codon 319 of the HARS protein (p.Ser319Phe). This variant is not present in population databases (gnomAD no frequency). This variant has not been reported in the literature in individuals affected with HARS-related conditions. ClinVar contains an entry for this variant (Variation ID: 1011344). Advanced modeling of protein sequence and biophysical properties (such as structural, functional, and spatial information, amino acid conservation, physicochemical variation, residue mobility, and thermodynamic stability) performed at Invitae indicates that this missense variant is not expected to disrupt HARS protein function. In summary, the available evidence is currently insufficient to determine the role of this variant in disease. Therefore, it has been classified as a Variant of Uncertain Significance.

NM_002109.6(HARS1):c.956C>T (p.Ser319Phe)

Gene: HARS1 (histidyl-tRNA synthetase 1; minus strand). Cytogenetic location: 5q31.3.
Variant type: single nucleotide variant.
Coding change: c.956C>T on transcript NM_002109.6 (MANE Select); coding-DNA position 956, C replaced by T.
Protein change: p.Ser319Phe; replaces serine 319 with phenylalanine.
Molecular consequence: missense variant.
Genome position (GRCh38, 1-based): chr5:140,676,892, G>A on the plus strand (C>T on the coding strand, the complement: HARS1 is on the minus strand). VCF-style: chr5-140676892-G-A. GRCh37 (hg19) VCF-style: chr5-140056477-G-A.
Other names: c.836C>T, p.Ser279Phe (NM_001258040.3); c.896C>T, p.Ser299Phe (NM_001258041.3); c.776C>T, p.Ser259Phe (NM_001258042.3); c.734C>T, p.Ser245Phe (NM_001289092.2); c.614C>T, p.Ser205Phe (NM_001289093.2); c.869C>T, p.Ser290Phe (NM_001289094.2); c.956C>T (NM_002109.5); short protein forms S205F, S245F, S259F, S279F, S290F, S299F, S319F.
Identifiers: ClinVar variation 1011344 (VCV001011344.9), dbSNP rs910919096, ClinGen allele CA128377413.